The following is an entry in ClinVar:

ClinVar aggregate classification (germline): Uncertain significance (1 of 4 stars; one submission).

Conditions:
Congenital glucose-galactose malabsorption (GGM). Also called: MONOSACCHARIDE MALABSORPTION; DIARRHEA 16. Identifiers: Orphanet 35710, MedGen C0268186, MONDO:0011731, OMIM 606824.

Allele frequency attached by ClinVar (database versions not stated): gnomAD exomes below 0.00001; TOPMed below 0.00001.
gnomAD v4.1: 3 of 1,614,176 alleles (0.00019%); highest among the groups gnomAD compares: South Asian, 0.0011%; no homozygotes.

Submission:

Labcorp Genetics (formerly Invitae), Labcorp
Classification: Uncertain significance for Congenital glucose-galactose malabsorption. Last evaluated: 2021-01-09. Review status: criteria provided, single submitter. Criteria: Invitae Variant Classification Sherloc (09022015). Collection method: clinical testing. Allele origin: germline.
Comment: Algorithms developed to predict the effect of missense changes on protein structure and function (SIFT, PolyPhen-2, Align-GVGD) all suggest that this variant is likely to be disruptive, but these predictions have not been confirmed by published functional studies and their clinical significance is uncertain. In summary, the available evidence is currently insufficient to determine the role of this variant in disease. Therefore, it has been classified as a Variant of Uncertain Significance. This sequence change replaces arginine with cysteine at codon 300 of the SLC5A1 protein (p.Arg300Cys). The arginine residue is highly conserved and there is a large physicochemical difference between arginine and cysteine. This variant has not been reported in the literature in individuals with SLC5A1-related conditions. This variant is not present in population databases (ExAC no frequency).

NM_000343.4(SLC5A1):c.898C>T (p.Arg300Cys)

Gene: SLC5A1 (solute carrier family 5 member 1; plus strand). Cytogenetic location: 22q12.3.
Variant type: single nucleotide variant.
Coding change: c.898C>T on transcript NM_000343.4 (MANE Select); coding-DNA position 898, C replaced by T.
Protein change: p.Arg300Cys; replaces arginine 300 with cysteine.
Molecular consequence: missense variant.
Genome position (GRCh38, 1-based): chr22:32,084,912, C>T. VCF-style: chr22-32084912-C-T. GRCh37 (hg19) VCF-style: chr22-32480899-C-T.
Other names: c.517C>T, p.Arg173Cys (NM_001256314.2); short protein forms R173C, R300C.
Identifiers: ClinVar variation 1464453 (VCV001464453.6), dbSNP rs201079555, ClinGen allele CA323375933.